The following is an entry in ClinVar:

ClinVar aggregate classification (germline): Likely benign (1 of 4 stars; one submission).

Submission:

GeneDx
Classification: Likely benign. Last evaluated: 2016-11-18. Review status: criteria provided, single submitter. Criteria: GeneDx Variant Classification (06012015). Collection method: clinical testing. Allele origin: germline. Affected: yes.
Comment: This variant is considered likely benign or benign based on one or more of the following criteria: it is a conservative change, it occurs at a poorly conserved position in the protein, it is predicted to be benign by multiple in silico algorithms, and/or has population frequency not consistent with disease.

NM_020191.2(MRPS22):c.-42dupA

Gene: MRPS22 (mitochondrial ribosomal protein S22; plus strand). Cytogenetic location: 3q23.
Variant type: Duplication.
Coding change: c.-42dupA on transcript NM_020191.2; 42 bases upstream of the start codon, one base duplicated (A).
Genome position (GRCh38, 1-based): chr3:139,343,985, A duplicated; the last of 2 consecutive A bases (chr3:139,343,984-139,343,985); duplicating either gives the same sequence. VCF-style (leftmost placement, unchanged base first): chr3-139343983-G-GA. GRCh37 (hg19) VCF-style: chr3-139062825-G-GA.
Identifiers: ClinVar variation 422719 (VCV000422719.3), dbSNP rs773364410, ClinGen allele CA2640577.